The following is an entry in ClinVar:

NM_001378454.1(ALMS1):c.135_143dup (p.Glu48_Glu49insValGluGlu)

Gene: ALMS1 (ALMS1 centrosome and basal body associated protein; plus strand). Cytogenetic location: 2p13.1.
Variant type: Duplication.
Coding change: c.135_143dup on transcript NM_001378454.1 (MANE Select); coding-DNA positions 135 to 143, 9 bases duplicated (GGTGGAGGA; older notation c.135_143dupGGTGGAGGA).
Protein change: p.Glu48_Glu49insValGluGlu.
Molecular consequence: inframe insertion.
Genome position (GRCh38, 1-based): chr2:73,386,003-73,386,011, GGTGGAGGA duplicated; duplicating any 9 consecutive bases within chr2:73,385,995-73,386,011 gives the same sequence; the c. name uses the placement nearest the transcript's 3' end. VCF-style (leftmost placement, unchanged base first): chr2-73385994-C-CGTGGAGGAG. GRCh37 (hg19) VCF-style: chr2-73613122-C-CGTGGAGGAG.
Other names: c.138_146dup, p.Glu49_Glu50insValGluGlu (NM_015120.4); c.138_146dupGGTGGAGGA (NM_015120.4); c.135_143dup9 (NM_015120.4).
Identifiers: ClinVar variation 2158773 (VCV002158773.3), dbSNP rs747912991, ClinGen allele CA1712745.

ClinVar aggregate classification (germline): Uncertain significance. Review status: criteria provided, multiple submitters, no conflicts (2 of 4 stars). 3 submissions from 3 submitters: Uncertain significance (2). 1 of the submissions does not count toward it. Last evaluated 2024-01-31.

Conditions:
Cardiovascular phenotype. Identifiers: MedGen CN230736.
Alstrom syndrome (ALMS). Identifiers: Orphanet 64, MedGen C0268425, MONDO:0008763, OMIM 203800.
ALMS1-related disorder. Also called: ALMS1-related condition.

Submissions (3):

Ambry Genetics
Classification: Uncertain significance for Cardiovascular phenotype. Last evaluated: 2024-01-31. Review status: criteria provided, single submitter. Criteria: Ambry Variant Classification Scheme 2023. Collection method: clinical testing. Allele origin: germline.
Comment: The c.138_146dupGGTGGAGGA variant (also known as p.V47_E49dup) is located in coding exon 1 of the ALMS1 gene. This variant results from an in-frame duplication of GGTGGAGGA at nucleotide positions 138 to 146. This results in the duplication of 3 extra residues (VEE) between codons 47 and 49. This amino acid region is not well conserved in available vertebrate species. In addition, this alteration is predicted to be neutral by in silico analysis (Choi Y et al. PLoS ONE. 2012; 7(10):e46688). Based on the available evidence, the clinical significance of this alteration remains unclear.

Labcorp Genetics (formerly Invitae), Labcorp
Classification: Uncertain significance for Alstrom syndrome. Last evaluated: 2022-07-23. Review status: criteria provided, single submitter. Criteria: Invitae Variant Classification Sherloc (09022015). Collection method: clinical testing. Allele origin: germline.
Comment: This variant, c.138_146dup, results in the insertion of 3 amino acid(s) of the ALMS1 protein (p.Val47_Glu49dup), but otherwise preserves the integrity of the reading frame. This variant is present in population databases (rs747912991, gnomAD 0.002%). This variant has not been reported in the literature in individuals affected with ALMS1-related conditions. Experimental studies and prediction algorithms are not available or were not evaluated, and the functional significance of this variant is currently unknown. In summary, the available evidence is currently insufficient to determine the role of this variant in disease. Therefore, it has been classified as a Variant of Uncertain Significance.

PreventionGenetics, part of Exact Sciences
Classification: Uncertain significance for ALMS1-related condition. Last evaluated: 2024-07-30. Review status: no assertion criteria provided. Collection method: clinical testing. Allele origin: germline. Not counted in ClinVar's aggregate classification.
Comment: The ALMS1 c.135_143dup9 variant is predicted to result in an in-frame duplication (p.Val46_Glu48dup). To our knowledge, this variant has not been reported in the literature. This variant is reported in 0.0016% of alleles in individuals of European (Non-Finnish) descent in gnomAD. However, this variant falls within a highly paralogous region, therefore allele frequency data should be interpreted with caution. At this time, the clinical significance of this variant is uncertain due to the absence of conclusive functional and genetic evidence.